The following is an entry in ClinVar:

ClinVar aggregate classification (germline): Uncertain significance (1 of 4 stars; one submission).

Allele frequency attached by ClinVar (database versions not stated): gnomAD exomes below 0.00001.
gnomAD v4.1: 1 of 1,613,950 alleles (0.000062%); highest among the groups gnomAD compares: Admixed American, 0.0017%; no homozygotes.

Submission:

Labcorp Genetics (formerly Invitae), Labcorp
Classification: Uncertain significance. Last evaluated: 2022-07-02. Review status: criteria provided, single submitter. Criteria: Invitae Variant Classification Sherloc (09022015). Collection method: clinical testing. Allele origin: germline.
Comment: In summary, the available evidence is currently insufficient to determine the role of this variant in disease. Therefore, it has been classified as a Variant of Uncertain Significance. Algorithms developed to predict the effect of missense changes on protein structure and function are either unavailable or do not agree on the potential impact of this missense change (SIFT: "Deleterious"; PolyPhen-2: "Benign"; Align-GVGD: "Class C65"). This variant has not been reported in the literature in individuals affected with USH2A-related conditions. This variant is not present in population databases (gnomAD no frequency). This sequence change replaces serine, which is neutral and polar, with alanine, which is neutral and non-polar, at codon 3344 of the USH2A protein (p.Ser3344Ala).

NM_206933.4(USH2A):c.10030T>G (p.Ser3344Ala)

Gene: USH2A (usherin; minus strand). Cytogenetic location: 1q41.
Variant type: single nucleotide variant.
Coding change: c.10030T>G on transcript NM_206933.4 (MANE Select); coding-DNA position 10030, T replaced by G.
Protein change: p.Ser3344Ala; replaces serine 3344 with alanine.
Molecular consequence: missense variant.
Genome position (GRCh38, 1-based): chr1:215,790,211, A>C on the plus strand (T>G on the coding strand, the complement: USH2A is on the minus strand). VCF-style: chr1-215790211-A-C. GRCh37 (hg19) VCF-style: chr1-215963553-A-C.
Other names: short protein forms S3344A.
Identifiers: ClinVar variation 2090553 (VCV002090553.4), dbSNP rs970163247, ClinGen allele CA344844397.